The following is an entry in ClinVar:

ClinVar aggregate classification (germline): Uncertain significance. Review status: criteria provided, multiple submitters, no conflicts (2 of 4 stars). 2 submissions from 2 submitters: Uncertain significance (2). Last evaluated 2024-12-26.

Submissions (2):

Labcorp Genetics (formerly Invitae), Labcorp
Classification: Uncertain significance. Last evaluated: 2024-12-26. Review status: criteria provided, single submitter. Criteria: Invitae Variant Classification Sherloc (09022015). Collection method: clinical testing. Allele origin: germline.
Comment: This sequence change replaces threonine, which is neutral and polar, with asparagine, which is neutral and polar, at codon 1092 of the KMT2A protein (p.Thr1092Asn). This variant is not present in population databases (gnomAD no frequency). This variant has not been reported in the literature in individuals affected with KMT2A-related conditions. Invitae Evidence Modeling of protein sequence and biophysical properties (such as structural, functional, and spatial information, amino acid conservation, physicochemical variation, residue mobility, and thermodynamic stability) has been performed for this missense variant. However, the output from this modeling did not meet the statistical confidence thresholds required to predict the impact of this variant on KMT2A protein function. In summary, the available evidence is currently insufficient to determine the role of this variant in disease. Therefore, it has been classified as a Variant of Uncertain Significance.

GeneDx
Classification: Uncertain significance. Last evaluated: 2024-05-21. Review status: criteria provided, single submitter. Criteria: GeneDx Variant Classification Process June 2021. Collection method: clinical testing. Allele origin: germline. Affected: yes.
Comment: Not observed at significant frequency in large population cohorts (gnomAD); In silico analysis indicates that this missense variant does not alter protein structure/function; Has not been previously published as pathogenic or benign to our knowledge

NM_001197104.2(KMT2A):c.3275C>A (p.Thr1092Asn)

Gene: KMT2A (lysine methyltransferase 2A; plus strand). Cytogenetic location: 11q23.3.
Variant type: single nucleotide variant.
Coding change: c.3275C>A on transcript NM_001197104.2 (MANE Select); coding-DNA position 3275, C replaced by A.
Protein change: p.Thr1092Asn; replaces threonine 1092 with asparagine.
Molecular consequence: missense variant.
Genome position (GRCh38, 1-based): chr11:118,476,923, C>A. VCF-style: chr11-118476923-C-A. GRCh37 (hg19) VCF-style: chr11-118347638-C-A.
Other names: c.3374C>A, p.Thr1125Asn (NM_001412597.1); c.3275C>A, p.Thr1092Asn (NM_005933.4); short protein forms T1092N, T1125N.
Identifiers: ClinVar variation 3381289 (VCV003381289.3).